The following is an entry in ClinVar:

ClinVar aggregate classification (germline): Pathogenic (1 of 4 stars; one submission).

Conditions:
Walker-Warburg congenital muscular dystrophy. Also called: Muscular dystrophy-dystroglycanopathy, type A; Walker-Warburg syndrome. Identifiers: Orphanet 899, MedGen C0265221, MONDO:0000171.
Muscular dystrophy-dystroglycanopathy (congenital with impaired intellectual development), type B, 1. Also called: MUSCULAR DYSTROPHY, CONGENITAL, POMT1-RELATED; Muscular dystrophy-dystroglycanopathy (congenital with intellectual disability), type B1. Identifiers: MedGen C5436962, MONDO:0013159, OMIM 613155.
Autosomal recessive limb-girdle muscular dystrophy type 2K. Also called: MUSCULAR DYSTROPHY-DYSTROGLYCANOPATHY (LIMB-GIRDLE), TYPE C, 1; MUSCULAR DYSTROPHY, LIMB-GIRDLE, TYPE 2K. Identifiers: Orphanet 86812, MedGen C1836373, MONDO:0012248, OMIM 609308.

Submission:

Labcorp Genetics (formerly Invitae), Labcorp
Classification: Pathogenic for Muscular dystrophy-dystroglycanopathy (congenital with impaired intellectual development), type B, 1; Walker-Warburg congenital muscular dystrophy; Autosomal recessive limb-girdle muscular dystrophy type 2K. Last evaluated: 2022-05-30. Review status: criteria provided, single submitter. Criteria: Invitae Variant Classification Sherloc (09022015). Collection method: clinical testing. Allele origin: germline.
Comment: This sequence change creates a premature translational stop signal (p.Trp376*) in the POMT1 gene. It is expected to result in an absent or disrupted protein product. Loss-of-function variants in POMT1 are known to be pathogenic (PMID: 12369018, 15637732, 16575835). This variant is not present in population databases (gnomAD no frequency). This variant has not been reported in the literature in individuals affected with POMT1-related conditions. Algorithms developed to predict the effect of sequence changes on RNA splicing suggest that this variant may disrupt the consensus splice site. For these reasons, this variant has been classified as Pathogenic.

Literature cited by the submitters: PubMed 12369018; PubMed 15637732; PubMed 16575835.

NM_001077365.2(POMT1):c.1061G>A (p.Trp354Ter)

Gene: POMT1 (protein O-mannosyltransferase 1; plus strand). Cytogenetic location: 9q34.13.
Variant type: single nucleotide variant.
Coding change: c.1061G>A on transcript NM_001077365.2 (MANE Select); coding-DNA position 1061, G replaced by A.
Protein change: p.Trp354Ter; replaces tryptophan 354 with a stop codon.
Molecular consequence: nonsense. On other transcripts: non-coding transcript variant (10), intron variant (1).
Genome position (GRCh38, 1-based): chr9:131,512,115, G>A. VCF-style: chr9-131512115-G-A. GRCh37 (hg19) VCF-style: chr9-134387502-G-A.
Other names: c.899G>A, p.Trp300Ter (NM_001077366.2, NM_001353194.2); c.1061G>A, p.Trp354Ter (NM_001136113.2, NM_001374690.1); c.710G>A, p.Trp237Ter (NM_001136114.2, NM_001353195.2, NM_001374691.1 and 1 more transcripts); c.1127G>A, p.Trp376Ter (NM_001353193.2, NM_007171.4); c.971G>A, p.Trp324Ter (NM_001353196.2); c.965G>A, p.Trp322Ter (NM_001353197.2, NM_001353198.2); c.776G>A, p.Trp259Ter (NM_001353199.2); c.605G>A, p.Trp202Ter (NM_001353200.2); and 4 more; short protein forms W237*, W259*, W300*, W322*, W202*, W224*, W324*, W350*.
Identifiers: ClinVar variation 1997263 (VCV001997263.4), dbSNP rs1947244829, ClinGen allele CA375308913.